The following is an entry in ClinVar:

ClinVar aggregate classification (germline): Uncertain significance (1 of 4 stars; one submission).

Conditions:
Atypical hemolytic-uremic syndrome. Identifiers: Orphanet 2134, MedGen C2931788, MONDO:0016244.
Basal laminar drusen. Also called: DRUSEN OF BRUCH MEMBRANE; DRUSEN, CUTICULAR; DRUSEN, EARLY ADULT-ONSET, GROUPED. Identifiers: Orphanet 75376, MedGen C0730295, MONDO:0007472, OMIM 126700.
Factor H deficiency (CFHD). Also called: COMPLEMENT FACTOR H DEFICIENCY; CFH DEFICIENCY. Identifiers: Orphanet 200421, MedGen C0398777, MONDO:0012350, OMIM 609814.
Age related macular degeneration 4. Identifiers: MedGen C1853147, MONDO:0012540, OMIM 610698.

Submission:

Genomenon, Inc
Classification: Uncertain significance for Basal laminar drusen; Age related macular degeneration 4; Atypical hemolytic-uremic syndrome; Factor H deficiency. Last evaluated: 2025-10-02. Review status: criteria provided, single submitter. Criteria: Genomenon Sequence Variant Interpretation Standards - Updated. Collection method: curation. Allele origin: germline. Affected: no.
Comment: CFH p.Glu541Ala (c.1622A>C) is a missense variant that changes the amino acid at residue 541 from Glutamic acid to Alanine. This variant has been reported in the published literature (PMID:25330773). It is absent or not present at a significant frequency in gnomAD. In conclusion, we classify CFH p.Glu541Ala (c.1622A>C) as a variant of uncertain significance.

Literature cited by the submitters: PubMed 25330773.

NM_000186.4(CFH):c.1622A>C (p.Glu541Ala)

Gene: CFH (complement factor H; plus strand). Cytogenetic location: 1q31.3.
Variant type: single nucleotide variant.
Coding change: c.1622A>C on transcript NM_000186.4 (MANE Select); coding-DNA position 1622, A replaced by C.
Protein change: p.Glu541Ala; replaces glutamic acid 541 with alanine.
Molecular consequence: missense variant.
Genome position (GRCh38, 1-based): chr1:196,715,695, A>C. VCF-style: chr1-196715695-A-C. GRCh37 (hg19) VCF-style: chr1-196684825-A-C.
Other names: short protein forms E541A.
Identifiers: ClinVar variation 4291402 (VCV004291402.1).